The following is an entry in ClinVar:

ClinVar aggregate classification (germline): Pathogenic (1 of 4 stars; one submission).

Conditions:
Desmin-related myofibrillar myopathy (MFM1). Also called: MYOFIBRILLAR MYOPATHY WITH ARRHYTHMOGENIC RIGHT VENTRICULAR CARDIOMYOPATHY; DESMIN-RELATED MYOPATHY WITH ARRHYTHMOGENIC RIGHT VENTRICULAR CARDIOMYOPATHY; Desminopathy; Desmin related myopathy (former name); Desmin storage myopathy (former name); Myofibrillar myopathy 1. Identifiers: Orphanet 363543, Orphanet 98909, MedGen C1832370, MONDO:0011076, OMIM 601419.

Submission:

Labcorp Genetics (formerly Invitae), Labcorp
Classification: Pathogenic for Desmin-related myofibrillar myopathy. Last evaluated: 2023-05-19. Review status: criteria provided, single submitter. Criteria: Invitae Variant Classification Sherloc (09022015). Collection method: clinical testing. Allele origin: germline.
Comment: This sequence change creates a premature translational stop signal (p.Gly41Argfs*3) in the DES gene. It is expected to result in an absent or disrupted protein product. Loss-of-function variants in DES are known to be pathogenic (PMID: 23575897). This variant is not present in population databases (gnomAD no frequency). This variant has not been reported in the literature in individuals affected with DES-related conditions. For these reasons, this variant has been classified as Pathogenic.

Literature cited by the submitters: PubMed 23575897.

NM_001927.4(DES):c.119dup (p.Gly41fs)

Gene: DES (desmin; plus strand). Cytogenetic location: 2q35.
Variant type: Duplication.
Coding change: c.119dup on transcript NM_001927.4 (MANE Select); coding-DNA position 119, one base duplicated (T; older notation c.119dupT).
Protein change: p.Gly41fs; shifts the reading frame from glycine 41.
Molecular consequence: frameshift variant.
Genome position (GRCh38, 1-based): chr2:219,418,581, T duplicated; the last of 3 consecutive T bases (chr2:219,418,579-219,418,581); duplicating any one gives the same sequence. VCF-style (leftmost placement, unchanged base first): chr2-219418578-G-GT. GRCh37 (hg19) VCF-style: chr2-220283300-G-GT.
Other names: c.119dup, p.Gly41fs (NM_001382708.1, NM_001382709.1, NM_001382710.1 and 3 more transcripts); short protein forms G41fs.
Identifiers: ClinVar variation 2944715 (VCV002944715.3), dbSNP rs2545246000, ClinGen allele CA2740096471.